The following is an entry in ClinVar:

ClinVar aggregate classification (germline): Conflicting classifications of pathogenicity. Review status: criteria provided, conflicting classifications (1 of 4 stars). 2 submissions from 2 submitters: Uncertain significance (1); Likely benign (1). Last evaluated 2024-04-09.

Conditions:
Hereditary breast ovarian cancer syndrome. Also called: Hereditary breast and ovarian cancer syndrome; BRCA1- and BRCA2-Associated Hereditary Breast and Ovarian Cancer; Breast and ovarian cancer; Hereditary breast and/or ovarian cancer syndrome; Hereditary breast and ovarian cancer; Hereditary breast and ovarian cancer syndrome (HBOC). Identifiers: Orphanet 145, MedGen C0677776, MeSH D061325, MONDO:0003582. Disease mechanism: loss of function.
Hereditary cancer-predisposing syndrome. Also called: Neoplastic Syndromes, Hereditary; Tumor predisposition; Hereditary Cancer Syndrome; Hereditary neoplastic syndrome. Identifiers: Orphanet 140162, MedGen C0027672, MeSH D009386, MONDO:0015356.

Submissions (2):

Ambry Genetics
Classification: Uncertain significance for Hereditary cancer-predisposing syndrome. Last evaluated: 2024-04-09. Review status: criteria provided, single submitter. Criteria: Ambry Variant Classification Scheme 2023. Collection method: clinical testing. Allele origin: germline.
Comment: The c.-1A>T variant is located in the 5' untranslated region (5&rsquo; UTR) of the BRCA2 gene. This variant results from an A to T substitution 1 bases upstream from the first translated codon. This nucleotide position is well conserved in available vertebrate species. Based on the available evidence, the clinical significance of this variant remains unclear.

Labcorp Genetics (formerly Invitae), Labcorp
Classification: Likely benign for Hereditary breast ovarian cancer syndrome. Last evaluated: 2021-10-09. Review status: criteria provided, single submitter. Criteria: Invitae Variant Classification Sherloc (09022015). Collection method: clinical testing. Allele origin: germline.

NM_000059.4(BRCA2):c.-1A>T

Gene: BRCA2 (BRCA2 DNA repair associated; plus strand). Cytogenetic location: 13q13.1.
Variant type: single nucleotide variant.
Coding change: c.-1A>T on transcript NM_000059.4 (MANE Select); 1 bases upstream of the start codon, A replaced by T.
Molecular consequence: 5 prime UTR variant. On other transcripts: non-coding transcript variant (1), intron variant (1).
Genome position (GRCh38, 1-based): chr13:32,316,460, A>T. VCF-style: chr13-32316460-A-T. GRCh37 (hg19) VCF-style: chr13-32890597-A-T.
Other names: c.-1A>T (NM_001406719.1, NM_001406720.1, NM_001406721.1); c.-303+793A>T (NM_001406722.1).
Identifiers: ClinVar variation 232627 (VCV000232627.13), dbSNP rs876659884, ClinGen allele CA10579442.